The following is an entry in ClinVar:

NC_000022.10:g.(?_50518954)_(50523273_?)del

Gene: MLC1 (modulator of VRAC current 1; minus strand). Cytogenetic location: 22q13.33.
Variant type: Deletion.
Identifiers: ClinVar variation 2426090 (VCV002426090.4).

ClinVar aggregate classification (germline): Pathogenic (1 of 4 stars; one submission).

Submission:

Labcorp Genetics (formerly Invitae), Labcorp
Classification: Pathogenic. Last evaluated: 2022-08-26. Review status: criteria provided, single submitter. Criteria: Invitae Variant Classification Sherloc (09022015). Collection method: clinical testing. Allele origin: germline.
Comment: For these reasons, this variant has been classified as Pathogenic. This variant disrupts a region of the MLC1 protein in which other variant(s) (p.Ser69Leu) have been determined to be pathogenic (PMID: 21145992, 21160490, 21624973, 22416245). This suggests that this is a clinically significant region of the protein, and that variants that disrupt it are likely to be disease-causing. This variant has not been reported in the literature in individuals affected with MLC1-related conditions. This variant results in the deletion of exon 3 and part of exon 2 (c.59_268-128delinsCAT) of the MLC1 gene. It is expected to disrupt RNA splicing. Variants that disrupt the donor or acceptor splice site typically lead to a loss of protein function (PMID: 16199547), and loss-of-function variants in MLC1 are known to be pathogenic (PMID: 11254442, 16470554, 24824219).

Literature cited by the submitters: PubMed 21145992; PubMed 21160490; PubMed 21624973; PubMed 22416245; PubMed 16199547; PubMed 11254442; PubMed 16470554; PubMed 24824219.